The following is an entry in ClinVar:

NM_003482.4(KMT2D):c.6397dup (p.Ala2133fs)

Gene: KMT2D (lysine methyltransferase 2D; minus strand). Cytogenetic location: 12q13.12.
Variant type: Duplication.
Coding change: c.6397dup on transcript NM_003482.4 (MANE Select); coding-DNA position 6397, one base duplicated (G; older notation c.6397dupG).
Protein change: p.Ala2133fs; shifts the reading frame from alanine 2133.
Molecular consequence: frameshift variant.
Genome position (GRCh38, 1-based): chr12:49,041,373, C duplicated on the plus strand (G on the coding strand, the reverse complement: KMT2D is on the minus strand). VCF-style (leftmost placement, unchanged base first): chr12-49041372-G-GC. GRCh37 (hg19) VCF-style: chr12-49435155-G-GC.
Other names: short protein forms A2133fs.
Identifiers: ClinVar variation 4279789 (VCV004279789.1).

ClinVar aggregate classification (germline): Pathogenic (1 of 4 stars; one submission).

Conditions:
Kabuki syndrome 1 (KABUK1). Also called: KMT2D-Related Kabuki Syndrome. Identifiers: Orphanet 2322, MedGen CN030661, MONDO:0007843, OMIM 147920.

Submission:

Clinical Genomics Laboratory, Washington University in St. Louis
Classification: Pathogenic for Kabuki syndrome 1. Last evaluated: 2025-05-27. Review status: criteria provided, single submitter. Criteria: ACMG Guidelines, 2015. Collection method: clinical testing. Allele origin: germline. Affected: yes.
Comment: The KMT2D c.6397dup (p.Ala2133Glyfs*22) variant, to our knowledge, has not been reported in the medical literature. This variant is absent from the general population (gnomAD v.4.1.1), indicating it is not a common variant. This variant causes a frameshift by duplicating one nucleotide, leading to a premature termination codon, which is predicted to lead to nonsense mediated decay. Based on available information and the ACMG/AMP guidelines for variant interpretation (Richards S et al., PMID: 25741868), this variant is classified as pathogenic.